The following is an entry in ClinVar:

ClinVar aggregate classification (germline): Uncertain significance (1 of 4 stars; one submission).

Conditions:
Hereditary spastic paraplegia 30. Identifiers: Orphanet 101010, MedGen C5235139, MONDO:0012476.
Neuropathy, hereditary sensory, type 2C. Also called: KIF1A-Related HSAN2 (HSAN2C); Hereditary sensory and autonomic neuropathy type IIC. Identifiers: Orphanet 970, MedGen C3280168, MONDO:0013634, OMIM 614213.
Intellectual disability, autosomal dominant 9 (NESCAVS). Also called: KIF1A-Related Neurodevelopmental Disorder; NESCAV SYNDROME. Identifiers: Orphanet 662367, MedGen C5393830, MONDO:0013656, OMIM 614255.

Allele frequency attached by ClinVar (database versions not stated): gnomAD 0.00001.

Submission:

Labcorp Genetics (formerly Invitae), Labcorp
Classification: Uncertain significance for Hereditary spastic paraplegia 30; Neuropathy, hereditary sensory, type 2C; Intellectual disability, autosomal dominant 9. Last evaluated: 2021-09-18. Review status: criteria provided, single submitter. Criteria: Invitae Variant Classification Sherloc (09022015). Collection method: clinical testing. Allele origin: germline.
Comment: In summary, the available evidence is currently insufficient to determine the role of this variant in disease. Therefore, it has been classified as a Variant of Uncertain Significance. Advanced modeling of protein sequence and biophysical properties (such as structural, functional, and spatial information, amino acid conservation, physicochemical variation, residue mobility, and thermodynamic stability) performed at Invitae indicates that this missense variant is not expected to disrupt KIF1A protein function. This variant has not been reported in the literature in individuals affected with KIF1A-related conditions. This variant is not present in population databases (ExAC no frequency). This sequence change replaces valine with phenylalanine at codon 1690 of the KIF1A protein (p.Val1690Phe). The valine residue is moderately conserved and there is a small physicochemical difference between valine and phenylalanine.

NM_001244008.2(KIF1A):c.5371G>T (p.Val1791Phe)

Gene: KIF1A (kinesin family member 1A; minus strand). Cytogenetic location: 2q37.3.
Variant type: single nucleotide variant.
Coding change: c.5371G>T on transcript NM_001244008.2 (MANE Select); coding-DNA position 5371, G replaced by T.
Protein change: p.Val1791Phe; replaces valine 1791 with phenylalanine.
Molecular consequence: missense variant.
Genome position (GRCh38, 1-based): chr2:240,717,369, C>A on the plus strand (G>T on the coding strand, the complement: KIF1A is on the minus strand). VCF-style: chr2-240717369-C-A. GRCh37 (hg19) VCF-style: chr2-241656786-C-A.
Other names: c.5095G>T, p.Val1699Phe (NM_001320705.2, NM_001379649.1); c.5122G>T, p.Val1708Phe (NM_001330289.2); c.5170G>T, p.Val1724Phe (NM_001330290.2, NM_001379648.1); c.5446G>T, p.Val1816Phe (NM_001379631.1); c.5347G>T, p.Val1783Phe (NM_001379632.1); c.5344G>T, p.Val1782Phe (NM_001379633.1, NM_001379645.1); c.5197G>T, p.Val1733Phe (NM_001379634.1); c.5194G>T, p.Val1732Phe (NM_001379635.1, NM_001379646.1); and 8 more; short protein forms V1698F, V1699F, V1728F, V1732F, V1791F, V1708F, V1715F, V1783F.
Identifiers: ClinVar variation 1441216 (VCV001441216.4), dbSNP rs1188028936, ClinGen allele CA351297183.